The following is an entry in ClinVar:

NM_052947.4(ALPK2):c.3374A>G (p.Asn1125Ser)

Gene: ALPK2 (alpha kinase 2; minus strand). Cytogenetic location: 18q21.31.
Variant type: single nucleotide variant.
Coding change: c.3374A>G on transcript NM_052947.4 (MANE Select); coding-DNA position 3374, A replaced by G.
Protein change: p.Asn1125Ser; replaces asparagine 1125 with serine.
Molecular consequence: missense variant.
Genome position (GRCh38, 1-based): chr18:58,536,813, T>C on the plus strand (A>G on the coding strand, the complement: ALPK2 is on the minus strand). VCF-style: chr18-58536813-T-C. GRCh37 (hg19) VCF-style: chr18-56204045-T-C.
Other names: short protein forms N1125S.
Identifiers: ClinVar variation 3290446 (VCV003290446.1).

ClinVar aggregate classification (germline): Uncertain significance (1 of 4 stars; one submission).

Submission:

Ambry Genetics
Classification: Uncertain significance. Last evaluated: 2024-05-19. Review status: criteria provided, single submitter. Criteria: Ambry Variant Classification Scheme 2023. Collection method: clinical testing. Allele origin: germline.
Comment: The p.N1125S variant (also known as c.3374A>G), located in coding exon 4 of the ALPK2 gene, results from an A to G substitution at nucleotide position 3374. The asparagine at codon 1125 is replaced by serine, an amino acid with highly similar properties. This amino acid position is conserved. In addition, this alteration is predicted to be tolerated by in silico analysis. Based on the available evidence, the clinical significance of this variant remains unclear.